The following is an entry in ClinVar:

NM_015046.7(SETX):c.4020_4022del (p.Lys1341del)

Gene: SETX (senataxin; minus strand). Cytogenetic location: 9q34.13.
Variant type: Deletion.
Coding change: c.4020_4022del on transcript NM_015046.7 (MANE Select); coding-DNA positions 4020 to 4022, 3 bases deleted (GAA; older notation c.4020_4022delGAA).
Protein change: p.Lys1341del; deletes lysine 1341.
Molecular consequence: inframe deletion.
Genome position (GRCh38, 1-based): chr9:132,327,576-132,327,578, TTC deleted on the plus strand (GAA on the coding strand, the reverse complement: SETX is on the minus strand); deleting any 3 consecutive bases within chr9:132,327,576-132,327,580 gives the same sequence; the c. name uses the placement nearest the transcript's 3' end. VCF-style (leftmost placement, unchanged base first): chr9-132327575-TTTC-T. GRCh37 (hg19) VCF-style: chr9-135202962-TTTC-T.
Other names: c.4020_4022delGAA (NM_015046.5); c.4020_4022del, p.Lys1341del (NM_001351527.2, NM_001351528.2); short protein forms K1341del.
Identifiers: ClinVar variation 805415 (VCV000805415.20), dbSNP rs769558791, ClinGen allele CA5297283.

ClinVar aggregate classification (germline): Conflicting classifications of pathogenicity. Review status: criteria provided, conflicting classifications (1 of 4 stars). 6 submissions from 6 submitters: Uncertain significance (5); Likely benign (1). Last evaluated 2025-11-17.

Conditions:
Inborn genetic diseases. Identifiers: MedGen C0950123, MeSH D030342.
Amyotrophic lateral sclerosis type 4 (ALS4). Also called: NEURONOPATHY, DISTAL HEREDITARY MOTOR, WITH PYRAMIDAL FEATURES; AMYOTROPHIC LATERAL SCLEROSIS 4, JUVENILE. Identifiers: Orphanet 357043, MedGen C1865409, MONDO:0011223, OMIM 602433.
Spinocerebellar ataxia, autosomal recessive, with axonal neuropathy 2 (SCAN2). Also called: Ataxia with Oculomotor Apraxia; ATAXIA-OCULOMOTOR APRAXIA 2; Ataxia-ocular apraxia-2; Ataxia with Oculomotor Apraxia Type 2. Identifiers: Orphanet 64753, MedGen C1853761, MONDO:0018996, OMIM 606002.

Submissions (6):

Labcorp Genetics (formerly Invitae), Labcorp
Classification: Uncertain significance for Amyotrophic lateral sclerosis type 4; Spinocerebellar ataxia, autosomal recessive, with axonal neuropathy 2. Last evaluated: 2025-11-17. Review status: criteria provided, single submitter. Criteria: Invitae Variant Classification Sherloc (09022015). Collection method: clinical testing. Allele origin: germline.
Comment: This variant, c.4020_4022del, results in the deletion of 1 amino acid(s) of the SETX protein (p.Lys1341del), but otherwise preserves the integrity of the reading frame. This variant is present in population databases (rs769558791, gnomAD 0.06%). This variant has not been reported in the literature in individuals affected with SETX-related conditions. ClinVar contains an entry for this variant (Variation ID: 805415). Experimental studies and prediction algorithms are not available or were not evaluated, and the functional significance of this variant is currently unknown. In summary, the available evidence is currently insufficient to determine the role of this variant in disease. Therefore, it has been classified as a Variant of Uncertain Significance.

CeGaT Center for Human Genetics Tuebingen
Classification: Uncertain significance. Last evaluated: 2025-04-01. Review status: criteria provided, single submitter. Criteria: CeGaT Center For Human Genetics Tuebingen Variant Classification Criteria Version 2. Collection method: clinical testing. Allele origin: germline. Affected: yes. Observed: 1 variant allele.
Comment: SETX: PM2, PM4:Supporting

Blueprint Genetics
Classification: Uncertain significance. Last evaluated: 2024-04-05. Review status: criteria provided, single submitter. Criteria: ACMG Guidelines, 2015. Collection method: clinical testing. Allele origin: germline.

GeneDx
Classification: Uncertain significance. Last evaluated: 2023-10-19. Review status: criteria provided, single submitter. Criteria: GeneDx Variant Classification Process June 2021. Collection method: clinical testing. Allele origin: germline. Affected: yes.
Comment: In-frame deletion of 1 amino acids in a non-repeat region; In silico analysis supports a deleterious effect on protein structure/function; Has not been previously published as pathogenic or benign to our knowledge

Ambry Genetics
Classification: Uncertain significance for Inborn genetic diseases. Last evaluated: 2020-03-11. Review status: criteria provided, single submitter. Criteria: Ambry Variant Classification Scheme 2023. Collection method: clinical testing. Allele origin: germline.
Comment: The c.4020_4022delGAA variant (also known as p.K1341del) is located in coding exon 8 of the SETX gene. This variant results from an in-frame GAA deletion at nucleotide positions 4020 to 4022. This results in the in-frame deletion of a lysine at codon 1341. This amino acid position is highly conserved in available vertebrate species. Based on the supporting evidence, this variant is unlikely to be causative of autosomal dominant SETX-related juvenile amyotrophic lateral sclerosis 4 (ALS4); however, its contribution to the development of autosomal recessive SETX-related spinocerebellar ataxia with axonal neuropathy 2 (SCAN2) is uncertain.

Athena Diagnostics
Classification: Likely benign. Last evaluated: 2019-01-28. Review status: criteria provided, single submitter. Criteria: Athena Diagnostics Criteria. Collection method: clinical testing. Allele origin: germline.